The following is an entry in ClinVar:

NM_133510.4(RAD51B):c.295G>T (p.Ala99Ser)

Gene: RAD51B (RAD51 paralog B; plus strand). Cytogenetic location: 14q24.1.
Variant type: single nucleotide variant.
Coding change: c.295G>T on transcript NM_133510.4 (MANE Select); coding-DNA position 295, G replaced by T.
Protein change: p.Ala99Ser; replaces alanine 99 with serine.
Molecular consequence: missense variant. On other transcripts: 5 prime UTR variant (1).
Genome position (GRCh38, 1-based): chr14:67,835,176, G>T. VCF-style: chr14-67835176-G-T. GRCh37 (hg19) VCF-style: chr14-68301893-G-T.
Other names: c.295G>T, p.Ala99Ser (NM_001321812.1, NM_001321814.2, NM_001321818.2 and 6 more transcripts); c.181G>T, p.Ala61Ser (NM_001321815.1); c.-161G>T (NM_001321817.2); short protein forms A61S, A99S.
Identifiers: ClinVar variation 4575315 (VCV004575315.1).

ClinVar aggregate classification (germline): Uncertain significance (1 of 4 stars; one submission).

Submission:

Ambry Genetics
Classification: Uncertain significance. Last evaluated: 2025-11-12. Review status: criteria provided, single submitter. Criteria: Ambry Variant Classification Scheme 2023. Collection method: clinical testing. Allele origin: germline.
Comment: The p.A99S variant (also known as c.295G>T), located in coding exon 3 of the RAD51B gene, results from a G to T substitution at nucleotide position 295. The alanine at codon 99 is replaced by serine, an amino acid with similar properties. This amino acid position is conserved. In addition, this alteration is predicted to be tolerated by in silico analysis. Based on the available evidence, the clinical significance of this variant remains unclear.